The following is an entry in ClinVar:

ClinVar aggregate classification (germline): Uncertain significance. Review status: criteria provided, multiple submitters, no conflicts (2 of 4 stars). 4 submissions from 4 submitters: Uncertain significance (4). Last evaluated 2026-05-05.

Conditions:
Hypophosphatemic rickets, autosomal recessive, 1 (ARHR1). Also called: HYPOPHOSPHATEMIA, AUTOSOMAL RECESSIVE. Identifiers: Orphanet 289176, MedGen C4551495, MONDO:0009430, OMIM 241520. Disease mechanism: loss of function.

Allele frequency attached by ClinVar (database versions not stated): gnomAD 0.00009; TOPMed 0.00013; gnomAD exomes 0.00014; ExAC 0.00014; ESP Exome Variant Server 0.00031.
gnomAD v4.1: 336 of 1,613,850 alleles (0.021%); highest among the groups gnomAD compares: Non-Finnish European, 0.027%; no homozygotes.

Submissions (4):

Women's Health and Genetics/Laboratory Corporation of America, LabCorp
Classification: Uncertain significance. Last evaluated: 2026-05-05. Review status: criteria provided, single submitter. Criteria: LabCorp Variant Classification Summary - May 2015. Collection method: clinical testing. Allele origin: germline.
Comment: Variant summary: DMP1 c.517C>T (p.Arg173Trp) results in a non-conservative amino acid change in the encoded protein sequence. Algorithms developed to predict the effect of missense changes on protein structure and function are either unavailable or do not agree on the potential impact of this missense change. The variant allele was found at a frequency of 0.00014 in 250404 control chromosomes. This frequency is not significantly higher than estimated for disease-causing variants in DMP1, allowing no conclusion about variant significance. c.517C>T has been observed in individual(s) suspected with Hypophosphatemic Rickets, Autosomal Recessive (Rush_2022). The report does not provide unequivocal conclusions about association of the variant with Hypophosphatemic Rickets, Autosomal Recessive, 1. To our knowledge, no experimental evidence demonstrating an impact on protein function has been reported. The following publication have been ascertained in the context of this evaluation (PMID: 34633109). ClinVar contains an entry for this variant (Variation ID: 970621). Based on the evidence outlined above, the variant was classified as uncertain significance.

Fulgent Genetics
Classification: Uncertain significance for Hypophosphatemic rickets, autosomal recessive, 1. Last evaluated: 2024-02-17. Review status: criteria provided, single submitter. Criteria: ACMG Guidelines, 2015. Collection method: clinical testing. Allele origin: germline.

Labcorp Genetics (formerly Invitae), Labcorp
Classification: Uncertain significance. Last evaluated: 2022-07-22. Review status: criteria provided, single submitter. Criteria: Invitae Variant Classification Sherloc (09022015). Collection method: clinical testing. Allele origin: germline.
Comment: This sequence change replaces arginine, which is basic and polar, with tryptophan, which is neutral and slightly polar, at codon 173 of the DMP1 protein (p.Arg173Trp). This variant is present in population databases (rs200549155, gnomAD 0.02%). This variant has not been reported in the literature in individuals affected with DMP1-related conditions. ClinVar contains an entry for this variant (Variation ID: 970621). Algorithms developed to predict the effect of missense changes on protein structure and function (SIFT, PolyPhen-2, Align-GVGD) all suggest that this variant is likely to be tolerated. In summary, the available evidence is currently insufficient to determine the role of this variant in disease. Therefore, it has been classified as a Variant of Uncertain Significance.

Department of Pathology and Laboratory Medicine, Sinai Health System
Classification: Uncertain significance for hypophosphatemic rickets, autosomal recessive, 1. Last evaluated: 2021-07-30. Review status: criteria provided, single submitter. Criteria: ACMG Guidelines, 2015. Collection method: research. Allele origin: germline.

Literature cited by the submitters: PubMed 34633109 (cited by Women's Health and Genetics/Laboratory Corporation of America, LabCorp).

NM_004407.4(DMP1):c.517C>T (p.Arg173Trp)

Genes: DMP1 (dentin matrix acidic phosphoprotein 1; plus strand), DMP1-AS1 (DMP1 and DSPP antisense RNA 1; minus strand). Cytogenetic location: 4q22.1.
Variant type: single nucleotide variant.
Coding change: c.517C>T on transcript NM_004407.4 (MANE Select); coding-DNA position 517, C replaced by T.
Protein change: p.Arg173Trp; replaces arginine 173 with tryptophan.
Molecular consequence: missense variant.
Genome position (GRCh38, 1-based): chr4:87,662,295, C>T. VCF-style: chr4-87662295-C-T. GRCh37 (hg19) VCF-style: chr4-88583447-C-T.
Other names: c.469C>T, p.Arg157Trp (NM_001079911.3); short protein forms R173W, R157W.
Identifiers: ClinVar variation 970621 (VCV000970621.12), dbSNP rs200549155, ClinGen allele CA3002047.